The following is an entry in ClinVar:

NM_005633.4(SOS1):c.605A>G (p.Tyr202Cys)

Gene: SOS1 (SOS Ras/Rac guanine nucleotide exchange factor 1; minus strand). Cytogenetic location: 2p22.1.
Variant type: single nucleotide variant.
Coding change: c.605A>G on transcript NM_005633.4 (MANE Select); coding-DNA position 605, A replaced by G.
Protein change: p.Tyr202Cys; replaces tyrosine 202 with cysteine.
Molecular consequence: missense variant.
Genome position (GRCh38, 1-based): chr2:39,054,729, T>C on the plus strand (A>G on the coding strand, the complement: SOS1 is on the minus strand). VCF-style: chr2-39054729-T-C. GRCh37 (hg19) VCF-style: chr2-39281870-T-C.
Other names: c.584A>G, p.Tyr195Cys (NM_001382394.1); c.605A>G, p.Tyr202Cys (NM_001382395.1); short protein forms Y195C, Y202C.
Identifiers: ClinVar variation 3224900 (VCV003224900.2), dbSNP rs1671143990, ClinGen allele CA346373158.

ClinVar aggregate classification (germline): Uncertain significance. Review status: criteria provided, multiple submitters, no conflicts (2 of 4 stars). 2 submissions from 2 submitters: Uncertain significance (2). Last evaluated 2024-04-18.

Conditions:
Cardiovascular phenotype. Identifiers: MedGen CN230736.

Allele frequency attached by ClinVar (database versions not stated): TOPMed below 0.00001.
gnomAD v4.1: 1 of 1,594,826 alleles (0.000063%); no homozygotes.

Submissions (2):

GeneDx
Classification: Uncertain significance. Last evaluated: 2024-04-18. Review status: criteria provided, single submitter. Criteria: GeneDx Variant Classification Process June 2021. Collection method: clinical testing. Allele origin: germline. Affected: yes.
Comment: Not observed at significant frequency in large population cohorts (gnomAD); Missense variants in this gene are a common cause of disease and they are underrepresented in the general population; In silico analysis supports that this missense variant has a deleterious effect on protein structure/function; Has not been previously published as pathogenic or benign to our knowledge; This variant is associated with the following publications: (PMID: 29493581)

Ambry Genetics
Classification: Uncertain significance for Cardiovascular phenotype. Last evaluated: 2023-10-13. Review status: criteria provided, single submitter. Criteria: Ambry Variant Classification Scheme 2023. Collection method: clinical testing. Allele origin: germline.
Comment: The p.Y202C variant (also known as c.605A>G), located in coding exon 5 of the SOS1 gene, results from an A to G substitution at nucleotide position 605. The tyrosine at codon 202 is replaced by cysteine, an amino acid with highly dissimilar properties. This amino acid position is well conserved in available vertebrate species. In addition, this alteration is predicted to be deleterious by in silico analysis. Since supporting evidence is limited at this time, the clinical significance of this alteration remains unclear.